The following is an entry in ClinVar:

NM_000255.4(MMUT):c.2197G>A (p.Val733Ile)

Gene: MMUT (methylmalonyl-CoA mutase; minus strand). Cytogenetic location: 6p12.3.
Variant type: single nucleotide variant.
Coding change: c.2197G>A on transcript NM_000255.4 (MANE Select); coding-DNA position 2197, G replaced by A.
Protein change: p.Val733Ile; replaces valine 733 with isoleucine.
Molecular consequence: missense variant.
Genome position (GRCh38, 1-based): chr6:49,431,784, C>T on the plus strand (G>A on the coding strand, the complement: MMUT is on the minus strand). VCF-style: chr6-49431784-C-T. GRCh37 (hg19) VCF-style: chr6-49399497-C-T.
Other names: short protein forms V733I.
Identifiers: ClinVar variation 552549 (VCV000552549.7), dbSNP rs1183369398, ClinGen allele CA3846621.

ClinVar aggregate classification (germline): Uncertain significance. Review status: criteria provided, multiple submitters, no conflicts (2 of 4 stars). 4 submissions from 4 submitters: Uncertain significance (3). 1 of the submissions does not count toward it. Last evaluated 2026-05-28.

Conditions:
Methylmalonic aciduria due to methylmalonyl-CoA mutase deficiency (MAMM). Also called: Methylmalonic aciduria, mut type. Identifiers: Orphanet 27, MedGen C1855114, MONDO:0009612, OMIM 251000.

Allele frequency attached by ClinVar (database versions not stated): gnomAD 0.00007 and 0.00008; gnomAD exomes 0.00002 and 0.00003; TOPMed 0.00002; ExAC 0.00001.
gnomAD v4.1: 51 of 1,613,804 alleles (0.0032%); highest among the groups gnomAD compares: Non-Finnish European, 0.0042%; no homozygotes.

Submissions (4):

Women's Health and Genetics/Laboratory Corporation of America, LabCorp
Classification: Uncertain significance. Last evaluated: 2026-05-28. Review status: criteria provided, single submitter. Criteria: LabCorp Variant Classification Summary - May 2015. Collection method: clinical testing. Allele origin: germline.
Comment: Variant summary: MMUT c.2197G>A (p.Val733Ile) results in a conservative amino acid change located in the cobalamin (vitamin B12)-binding domain (IPR006158) of the encoded protein sequence. Algorithms developed to predict the effect of missense changes on protein structure and function are either unavailable or do not agree on the potential impact of this missense change. The variant allele was found at a frequency of 2.4e-05 in 251390 control chromosomes. The available data on variant occurrences in the general population are insufficient to allow any conclusion about variant significance. c.2197G>A has been reported in the literature in the heterozygous state in a consanguineous couple who had lost two children in infancy, both with clinical symptoms suggestive of Methylmalonic Acidemia (Paleja_2015). These data do not allow clear conclusions about the significance of the variant. To our knowledge, no experimental evidence demonstrating an impact on protein function has been reported. The following publication has been ascertained in the context of this evaluation (PMID: 26174677). ClinVar contains an entry for this variant (Variation ID: 552549). Based on the evidence outlined above, the variant was classified as uncertain significance.

GeneDx
Classification: Uncertain significance. Last evaluated: 2025-06-12. Review status: criteria provided, single submitter. Criteria: GeneDx Variant Classification Process June 2021. Collection method: clinical testing. Allele origin: germline. Affected: yes.
Comment: Identified in the parents of two siblings with clinical and/or biochemical findings suggestive of MMA; however, neither affected child was tested for the familial variant so segregation could not be demonstrated (PMID: 26174677); Not observed at significant frequency in large population cohorts (gnomAD); In silico analysis suggests that this missense variant does not alter protein structure/function; This variant is associated with the following publications: (PMID: 34426522, 26174677)

Labcorp Genetics (formerly Invitae), Labcorp
Classification: Uncertain significance. Last evaluated: 2021-11-06. Review status: criteria provided, single submitter. Criteria: Invitae Variant Classification Sherloc (09022015). Collection method: clinical testing. Allele origin: germline.
Comment: This sequence change replaces valine, which is neutral and non-polar, with isoleucine, which is neutral and non-polar, at codon 733 of the MUT protein (p.Val733Ile). This variant is present in population databases (no rsID available, gnomAD 0.01%). This missense change has been observed in individual(s) with methylmalonic acidemia (PMID: 26174677). ClinVar contains an entry for this variant (Variation ID: 552549). Algorithms developed to predict the effect of missense changes on protein structure and function output the following: SIFT: "Tolerated"; PolyPhen-2: "Benign"; Align-GVGD: "Class C0". The isoleucine amino acid residue is found in multiple mammalian species, which suggests that this missense change does not adversely affect protein function. In summary, the available evidence is currently insufficient to determine the role of this variant in disease. Therefore, it has been classified as a Variant of Uncertain Significance.

Counsyl
Classification: Uncertain significance for Methylmalonic aciduria due to methylmalonyl-CoA mutase deficiency. Last evaluated: 2017-06-14. Review status: no assertion criteria provided. Collection method: clinical testing. Allele origin: unknown. Not counted in ClinVar's aggregate classification.

Literature cited by the submitters: PubMed 26174677 (cited by 3 submitters).